The following is an entry in ClinVar:

ClinVar aggregate classification (germline): Uncertain significance (1 of 4 stars; one submission).

Conditions:
Nemaline myopathy 6 (NEM6). Also called: Nemaline myopathy 6, autosomal dominant. Identifiers: Orphanet 171439, MedGen C1836472, MONDO:0012237, OMIM 609273.

Submission:

Labcorp Genetics (formerly Invitae), Labcorp
Classification: Uncertain significance for Nemaline myopathy 6. Last evaluated: 2025-11-06. Review status: criteria provided, single submitter. Criteria: Invitae Variant Classification Sherloc (09022015). Collection method: clinical testing. Allele origin: germline.
Comment: This sequence change replaces alanine, which is neutral and non-polar, with valine, which is neutral and non-polar, at codon 137 of the KBTBD13 protein (p.Ala137Val). The frequency data for this variant in the population databases is considered unreliable, as metrics indicate poor data quality at this position in the gnomAD database. This variant has not been reported in the literature in individuals affected with KBTBD13-related conditions. Invitae Evidence Modeling of protein sequence and biophysical properties (such as structural, functional, and spatial information, amino acid conservation, physicochemical variation, residue mobility, and thermodynamic stability) indicates that this missense variant is not expected to disrupt KBTBD13 protein function with a negative predictive value of 80%. In summary, the available evidence is currently insufficient to determine the role of this variant in disease. Therefore, it has been classified as a Variant of Uncertain Significance.

NM_001101362.3(KBTBD13):c.410C>T (p.Ala137Val)

Gene: KBTBD13 (kelch repeat and BTB domain containing 13; plus strand). Cytogenetic location: 15q22.31.
Variant type: single nucleotide variant.
Coding change: c.410C>T on transcript NM_001101362.3 (MANE Select); coding-DNA position 410, C replaced by T.
Protein change: p.Ala137Val; replaces alanine 137 with valine.
Molecular consequence: missense variant.
Genome position (GRCh38, 1-based): chr15:65,077,225, C>T. VCF-style: chr15-65077225-C-T. GRCh37 (hg19) VCF-style: chr15-65369563-C-T.
Other names: short protein forms A137V.
Identifiers: ClinVar variation 4766453 (VCV004766453.1).